The following is an entry in ClinVar:

NM_014921.5(ADGRL1):c.1110C>A (p.Asn370Lys)

Genes: ADGRL1 (adhesion G protein-coupled receptor L1; minus strand), ADGRL1-AS1 (ADGRL1 antisense RNA 1; plus strand). Cytogenetic location: 19p13.12.
Variant type: single nucleotide variant.
Coding change: c.1110C>A on transcript NM_014921.5 (MANE Select); coding-DNA position 1110, C replaced by A.
Protein change: p.Asn370Lys; replaces asparagine 370 with lysine.
Molecular consequence: missense variant.
Genome position (GRCh38, 1-based): chr19:14,162,691, G>T on the plus strand (C>A on the coding strand, the complement: ADGRL1 is on the minus strand). VCF-style: chr19-14162691-G-T. GRCh37 (hg19) VCF-style: chr19-14273503-G-T.
Other names: c.1125C>A, p.Asn375Lys (NM_001008701.3); short protein forms N370K, N375K.
Identifiers: ClinVar variation 5017116 (VCV005017116.1).

ClinVar aggregate classification (germline): Uncertain significance (1 of 4 stars; one submission).

Submission:

GeneDx
Classification: Uncertain significance. Last evaluated: 2026-03-29. Review status: criteria provided, single submitter. Criteria: GeneDx Variant Classification Process June 2021. Collection method: clinical testing. Allele origin: germline.
Comment: Not observed at significant frequency in large population cohorts (gnomAD); In silico analysis supports that this missense variant has a deleterious effect on protein structure/function; Has not been previously published as pathogenic or benign to our knowledge; Variants in candidate genes are classified as variants of uncertain significance in accordance with ACMG guidelines (PMID: 25741868)